The following is an entry in ClinVar:

ClinVar aggregate classification (germline): Pathogenic (1 of 4 stars; one submission).

Allele frequency attached by ClinVar (database versions not stated): gnomAD exomes below 0.00001.

Submission:

Labcorp Genetics (formerly Invitae), Labcorp
Classification: Pathogenic. Last evaluated: 2025-04-14. Review status: criteria provided, single submitter. Criteria: Invitae Variant Classification Sherloc (09022015). Collection method: clinical testing. Allele origin: germline.
Comment: This sequence change creates a premature translational stop signal (p.His194Profs*21) in the TSPAN12 gene. While this is not anticipated to result in nonsense mediated decay, it is expected to disrupt the last 112 amino acid(s) of the TSPAN12 protein. This variant is not present in population databases (gnomAD no frequency). This premature translational stop signal has been observed in individuals with familial exudative vitreoretinopathy (PMID: 25711638). ClinVar contains an entry for this variant (Variation ID: 1370740). This variant disrupts a region of the TSPAN12 protein in which other variant(s) (p.Gly205Asp) have been determined to be pathogenic (PMID: 31513438; internal data). This suggests that this is a clinically significant region of the protein, and that variants that disrupt it are likely to be disease-causing. For these reasons, this variant has been classified as Pathogenic.

Literature cited by the submitters: PubMed 25711638; PubMed 31513438.

NM_012338.4(TSPAN12):c.581del (p.His194fs)

Gene: TSPAN12 (tetraspanin 12; minus strand). Cytogenetic location: 7q31.31.
Variant type: Deletion.
Coding change: c.581del on transcript NM_012338.4 (MANE Select); coding-DNA position 581, one base deleted (A; older notation c.581delA).
Protein change: p.His194fs; shifts the reading frame from histidine 194.
Molecular consequence: frameshift variant.
Genome position (GRCh38, 1-based): chr7:120,806,580, T deleted on the plus strand (A on the coding strand, the reverse complement: TSPAN12 is on the minus strand). VCF-style (leftmost placement, unchanged base first): chr7-120806579-GT-G. GRCh37 (hg19) VCF-style: chr7-120446633-GT-G.
Other names: short protein forms H194fs.
Identifiers: ClinVar variation 1370740 (VCV001370740.6), dbSNP rs2116347903, ClinGen allele CA2573141595.